The following is an entry in ClinVar:

NM_000528.4(MAN2B1):c.1420-1G>A

Gene: MAN2B1 (mannosidase alpha class 2B member 1; minus strand). Cytogenetic location: 19p13.13.
Variant type: single nucleotide variant.
Coding change: c.1420-1G>A on transcript NM_000528.4 (MANE Select); the canonical splice acceptor site of the intron before coding-DNA position 1420, G replaced by A.
Molecular consequence: splice acceptor variant.
Genome position (GRCh38, 1-based): chr19:12,657,057, C>T on the plus strand (G>A on the coding strand, the complement: MAN2B1 is on the minus strand). VCF-style: chr19-12657057-C-T. GRCh37 (hg19) VCF-style: chr19-12767871-C-T.
Other names: c.1417-1G>A (NM_001173498.2).
Identifiers: ClinVar variation 1505521 (VCV001505521.8), dbSNP rs752229880, ClinGen allele CA9226442.
Genomic context (GRCh38, chr19:12,657,057, plus strand): 5'-GCAAAAGGTGAAGTGATCTTTGAAGCCTCTGAGCCGCGCCAGCGCGTTGCTCAGAAGAAC[C>T]TGCGGAAGAGCGCAAAGGGACCGGTGGGTTCAGGACGCCAGGCCTGACTCCTCCCCTCTC-3'

ClinVar aggregate classification (germline): Likely pathogenic (1 of 4 stars; one submission).

Conditions:
Deficiency of alpha-mannosidase (MANSA). Also called: Alpha-Mannosidosis; LYSOSOMAL ALPHA-D-MANNOSIDASE DEFICIENCY; Mannosidosis, alpha-, types I and II. Identifiers: Orphanet 61, MedGen C0024748, MONDO:0009561, OMIM 248500.

Allele frequency attached by ClinVar (database versions not stated): ExAC 0.00001; gnomAD exomes 0.00001.

Submission:

Labcorp Genetics (formerly Invitae), Labcorp
Classification: Likely pathogenic for Deficiency of alpha-mannosidase. Last evaluated: 2021-05-04. Review status: criteria provided, single submitter. Criteria: Invitae Variant Classification Sherloc (09022015). Collection method: clinical testing. Allele origin: germline.
Comment: In summary, the currently available evidence indicates that the variant is pathogenic, but additional data are needed to prove that conclusively. Therefore, this variant has been classified as Likely Pathogenic. Algorithms developed to predict the effect of sequence changes on RNA splicing suggest that this variant may disrupt the consensus splice site, but this prediction has not been confirmed by published transcriptional studies. This variant has not been reported in the literature in individuals with MAN2B1-related conditions. This variant is present in population databases (rs752229880, ExAC 0.002%). This sequence change affects an acceptor splice site in intron 11 of the MAN2B1 gene. It is expected to disrupt RNA splicing. Variants that disrupt the donor or acceptor splice site typically lead to a loss of protein function (PMID: 16199547), and loss-of-function variants in MAN2B1 are known to be pathogenic (PMID: 9915946, 22161967).

Literature cited by the submitters: PubMed 16199547; PubMed 9915946; PubMed 22161967.